The following is an entry in ClinVar:

NM_000719.7(CACNA1C):c.2365G>C (p.Glu789Gln)

Gene: CACNA1C (calcium voltage-gated channel subunit alpha1 C; plus strand). Cytogenetic location: 12p13.33.
Variant type: single nucleotide variant.
Coding change: c.2365G>C on transcript NM_000719.7 (MANE Select); coding-DNA position 2365, G replaced by C.
Protein change: p.Glu789Gln; replaces glutamic acid 789 with glutamine.
Molecular consequence: missense variant.
Genome position (GRCh38, 1-based): chr12:2,585,401, G>C. VCF-style: chr12-2585401-G-C. GRCh37 (hg19) VCF-style: chr12-2694567-G-C.
Other names: c.2365G>C, p.Glu789Gln (NM_001129836.2, NM_001129837.2, NM_001129838.2 and 18 more transcripts); c.2356G>C, p.Glu786Gln (NM_001129844.2); short protein forms E786Q, E789Q.
Identifiers: ClinVar variation 2585197 (VCV002585197.1), dbSNP rs1489882395, ClinGen allele CA383371660.

ClinVar aggregate classification (germline): Uncertain significance (1 of 4 stars; one submission).

Conditions:
Long QT syndrome 8. Identifiers: MedGen CN260585, MONDO:0032756, OMIM 618447.

Allele frequency attached by ClinVar (database versions not stated): gnomAD 0.00001.
gnomAD v4.1: 1 of 1,612,438 alleles (0.000062%); highest among the groups gnomAD compares: Non-Finnish European, 0.000085%; no homozygotes.

Submission:

Neuberg Centre For Genomic Medicine, NCGM
Classification: Uncertain significance for Long QT syndrome 8. Review status: criteria provided, single submitter. Criteria: ACMG Guidelines, 2015. Collection method: clinical testing. Allele origin: germline. Inheritance: Autosomal dominant inheritance. Affected: yes.
Comment: The missense variant in c.2365G>C (p.Glu789Gln) in CACNA1C gene has not been reported previously as a pathogenic variant nor as a benign variant, to our knowledge. The p.Glu789Gln variant is novel (not in any individuals) in 1000 Genomes and allele frequency of 0.003186% is reported in gnomAD. The amino acid Glu at position 789 is changed to a Gln changing protein sequence and it might alter its composition and physico-chemical properties. The variant is predicted to be damaging by PolyPhen2 and the residue is conserved across species. The amino acid change p.Glu789Gln in CACNA1C is predicted as conserved by GERP++ and PhyloP across 100 vertebrates. For these reasons, this variant has been classified as Uncertain Significance.